The following is an entry in ClinVar:

NM_000143.4(FH):c.1403C>T (p.Ala468Val)

Gene: FH (fumarate hydratase; minus strand). Cytogenetic location: 1q43.
Variant type: single nucleotide variant.
Coding change: c.1403C>T on transcript NM_000143.4 (MANE Select); coding-DNA position 1403, C replaced by T.
Protein change: p.Ala468Val; replaces alanine 468 with valine.
Molecular consequence: missense variant.
Genome position (GRCh38, 1-based): chr1:241,497,958, G>A on the plus strand (C>T on the coding strand, the complement: FH is on the minus strand). VCF-style: chr1-241497958-G-A. GRCh37 (hg19) VCF-style: chr1-241661258-G-A.
Other names: short protein forms A468V.
Identifiers: ClinVar variation 1771859 (VCV001771859.5), dbSNP rs2147911335, ClinGen allele CA345451029.

ClinVar aggregate classification (germline): Uncertain significance. Review status: criteria provided, multiple submitters, no conflicts (2 of 4 stars). 2 submissions from 2 submitters: Uncertain significance (2). Last evaluated 2025-12-16.

Conditions:
Hereditary cancer-predisposing syndrome. Also called: Hereditary Cancer Syndrome; Hereditary neoplastic syndrome; Neoplastic Syndromes, Hereditary; Tumor predisposition. Identifiers: Orphanet 140162, MedGen C0027672, MeSH D009386, MONDO:0015356.

Allele frequency attached by ClinVar (database versions not stated): gnomAD exomes 0.00001.

Submissions (2):

Labcorp Genetics (formerly Invitae), Labcorp
Classification: Uncertain significance. Last evaluated: 2025-12-16. Review status: criteria provided, single submitter. Criteria: Invitae Variant Classification Sherloc (09022015). Collection method: clinical testing. Allele origin: germline.
Comment: This sequence change replaces alanine, which is neutral and non-polar, with valine, which is neutral and non-polar, at codon 468 of the FH protein (p.Ala468Val). This variant is not present in population databases (gnomAD no frequency). This variant has not been reported in the literature in individuals affected with FH-related conditions. ClinVar contains an entry for this variant (Variation ID: 1771859). Invitae Evidence Modeling of protein sequence and biophysical properties (such as structural, functional, and spatial information, amino acid conservation, physicochemical variation, residue mobility, and thermodynamic stability) indicates that this missense variant is expected to disrupt FH protein function with a positive predictive value of 80%. In summary, the available evidence is currently insufficient to determine the role of this variant in disease. Therefore, it has been classified as a Variant of Uncertain Significance.

Ambry Genetics
Classification: Uncertain significance for Hereditary cancer-predisposing syndrome. Last evaluated: 2024-09-22. Review status: criteria provided, single submitter. Criteria: Ambry Variant Classification Scheme 2023. Collection method: clinical testing. Allele origin: germline.
Comment: The p.A468V variant (also known as c.1403C>T), located in coding exon 10 of the FH gene, results from a C to T substitution at nucleotide position 1403. The alanine at codon 468 is replaced by valine, an amino acid with similar properties. This amino acid position is conserved. In addition, this alteration is predicted to be deleterious by in silico analysis. Since supporting evidence is limited at this time, the clinical significance of this alteration remains unclear.